The following is an entry in ClinVar:

ClinVar aggregate classification (germline): Likely benign. Review status: criteria provided, multiple submitters, no conflicts (2 of 4 stars). 3 submissions from 3 submitters: Likely benign (3). Last evaluated 2026-01-13.

Conditions:
Charcot-Marie-Tooth disease type 4. Also called: Charcot-Marie-Tooth, Type 4; Charcot-Marie-Tooth disease, type IV. Identifiers: Orphanet 64749, MedGen C4082197, MONDO:0018995.

Allele frequency attached by ClinVar (database versions not stated): ExAC 0.00003; gnomAD 0.00004; gnomAD exomes 0.00006; TOPMed 0.00006; 1000 Genomes Project 30x 0.00016; 1000 Genomes Project 0.00020.
gnomAD v4.1: 99 of 1,613,310 alleles (0.0061%); highest among the groups gnomAD compares: Non-Finnish European, 0.0077%; no homozygotes.

Submissions (3):

Labcorp Genetics (formerly Invitae), Labcorp
Classification: Likely benign for Charcot-Marie-Tooth disease type 4. Last evaluated: 2026-01-13. Review status: criteria provided, single submitter. Criteria: Invitae Variant Classification Sherloc (09022015). Collection method: clinical testing. Allele origin: germline.

CeGaT Center for Human Genetics Tuebingen
Classification: Likely benign. Last evaluated: 2025-07-01. Review status: criteria provided, single submitter. Criteria: CeGaT Center For Human Genetics Tuebingen Variant Classification Criteria Version 2. Collection method: clinical testing. Allele origin: germline. Affected: yes. Observed: 3 variant alleles.
Comment: SH3TC2: BP4, BP7

Mayo Clinic Laboratories, Mayo Clinic
Classification: Likely benign. Last evaluated: 2025-02-28. Review status: criteria provided, single submitter. Criteria: ACMG Guidelines, 2015. Collection method: clinical testing. Allele origin: germline. Observed: 1 variant allele.
Comment: BP4, BP7

NM_024577.4(SH3TC2):c.1239C>T (p.Ala413=)

Gene: SH3TC2 (SH3 domain and tetratricopeptide repeats 2; minus strand). Cytogenetic location: 5q32.
Variant type: single nucleotide variant.
Coding change: c.1239C>T on transcript NM_024577.4 (MANE Select); coding-DNA position 1239, C replaced by T.
Protein change: p.Ala413=; no amino-acid change (alanine 413 retained).
Molecular consequence: synonymous variant.
Genome position (GRCh38, 1-based): chr5:149,028,493, G>A on the plus strand (C>T on the coding strand, the complement: SH3TC2 is on the minus strand). VCF-style: chr5-149028493-G-A. GRCh37 (hg19) VCF-style: chr5-148408056-G-A.
Other names: p.Ala413=.
Identifiers: ClinVar variation 809820 (VCV000809820.50), dbSNP rs199756080, ClinGen allele CA3499222.